The following is an entry in ClinVar:

NM_001042492.3(NF1):c.1456A>T (p.Thr486Ser)

Gene: NF1 (neurofibromin 1; plus strand). Cytogenetic location: 17q11.2.
Variant type: single nucleotide variant.
Coding change: c.1456A>T on transcript NM_001042492.3 (MANE Select); coding-DNA position 1456, A replaced by T.
Protein change: p.Thr486Ser; replaces threonine 486 with serine.
Molecular consequence: missense variant.
Genome position (GRCh38, 1-based): chr17:31,214,514, A>T. VCF-style: chr17-31214514-A-T. GRCh37 (hg19) VCF-style: chr17-29541532-A-T.
Other names: c.1456A>T, p.Thr486Ser (NM_000267.4, NM_001128147.3); short protein forms T486S.
Identifiers: ClinVar variation 404500 (VCV000404500.5), dbSNP rs1060500305, ClinGen allele CA16615438.

ClinVar aggregate classification (germline): Uncertain significance (1 of 4 stars; one submission).

Conditions:
Neurofibromatosis, type 1 (NF1). Also called: Neurofibromatosis, type I; NEUROFIBROMATOSIS, TYPE I, SOMATIC; Peripheral type neurofibromatosis; VON RECKLINGHAUSEN DISEASE. Identifiers: Orphanet 636, MedGen C0027831, MONDO:0018975, OMIM 162200. Disease mechanism: loss of function.

Submission:

Labcorp Genetics (formerly Invitae), Labcorp
Classification: Uncertain significance for Neurofibromatosis, type 1. Last evaluated: 2020-07-13. Review status: criteria provided, single submitter. Criteria: Invitae Variant Classification Sherloc (09022015). Collection method: clinical testing. Allele origin: germline.
Comment: In summary, this variant is a novel missense change that is not predicted to affect protein function. There is no indication that it causes disease, but the available evidence is currently insufficient to prove that conclusively. Therefore, it has been classified as a Variant of Uncertain Significance. Algorithms developed to predict the effect of missense changes on protein structure and function (SIFT, PolyPhen-2, Align-GVGD) all suggest that this variant is likely to be tolerated, but these predictions have not been confirmed by published functional studies. This variant is not present in population databases (ExAC no frequency) and has not been reported in the literature in individuals with a NF1-related disease. This sequence change replaces threonine with serine at codon 486 of the NF1 protein (p.Thr486Ser). The threonine residue is moderately conserved and there is a small physicochemical difference between threonine and serine.